The following is an entry in ClinVar:

NM_001903.5(CTNNA1):c.2508C>T (p.Ser836=)

Gene: CTNNA1 (catenin alpha 1; plus strand). Cytogenetic location: 5q31.2.
Variant type: single nucleotide variant.
Coding change: c.2508C>T on transcript NM_001903.5 (MANE Select); coding-DNA position 2508, C replaced by T.
Protein change: p.Ser836=; no amino-acid change (serine 836 retained).
Molecular consequence: synonymous variant. On other transcripts: 3 prime UTR variant (5).
Genome position (GRCh38, 1-based): chr5:138,933,876, C>T. VCF-style: chr5-138933876-C-T. GRCh37 (hg19) VCF-style: chr5-138269565-C-T.
Other names: c.2508C>T (NM_001903.2); c.1398C>T, p.Ser466= (NM_001323999.1, NM_001324000.1, NM_001290312.1 and 12 more transcripts); c.1263C>T, p.Ser421= (NM_001324001.1); c.*53C>T (NM_001324002.1, NM_001324003.1, NM_001324004.1 and 2 more transcripts); c.1059C>T, p.Ser353= (NM_001324006.1, NM_001324007.1, NM_001324008.1 and 2 more transcripts); c.1305C>T, p.Ser435= (NM_001324011.1); c.1155C>T, p.Ser385= (NM_001324012.1, NM_001324013.1); c.2199C>T, p.Ser733= (NM_001290309.3); and 4 more.
Identifiers: ClinVar variation 3707060 (VCV003707060.4).

ClinVar aggregate classification (germline): Benign/Likely benign. Review status: criteria provided, multiple submitters, no conflicts (2 of 4 stars). 3 submissions from 3 submitters: Benign (1); Likely benign (2). Last evaluated 2025-06-27.

Conditions:
Hereditary cancer-predisposing syndrome. Also called: Hereditary Cancer Syndrome; Neoplastic Syndromes, Hereditary; Tumor predisposition; Hereditary neoplastic syndrome. Identifiers: Orphanet 140162, MedGen C0027672, MeSH D009386, MONDO:0015356.
Hereditary diffuse gastric adenocarcinoma (HDGC). Also called: DIFFUSE GASTRIC AND LOBULAR BREAST CANCER SYNDROME. Identifiers: Orphanet 26106, MedGen C1708349, MONDO:0007648, OMIM 137215.

gnomAD v4.1: 1 of 1,613,970 alleles (0.000062%); no homozygotes.

Submissions (3):

Ambry Genetics
Classification: Likely benign for Hereditary cancer-predisposing syndrome. Last evaluated: 2025-06-27. Review status: criteria provided, single submitter. Criteria: Ambry Variant Classification Scheme 2023. Collection method: clinical testing. Allele origin: germline.

Labcorp Genetics (formerly Invitae), Labcorp
Classification: Likely benign. Last evaluated: 2024-12-10. Review status: criteria provided, single submitter. Criteria: Invitae Variant Classification Sherloc (09022015). Collection method: clinical testing. Allele origin: germline.

Myriad Genetics, Inc.
Classification: Benign for Hereditary diffuse gastric adenocarcinoma. Last evaluated: 2024-10-15. Review status: criteria provided, single submitter. Criteria: Myriad Autosomal Dominant, Autosomal Recessive and X-Linked Classification Criteria (2023). Collection method: clinical testing. Allele origin: unknown.
Comment: This variant is considered benign. This variant is a silent/synonymous amino acid change and it is not expected to impact splicing.